The following is an entry in ClinVar:

NM_001384910.1(GUCA1A):c.238C>T (p.Leu80Phe)

Genes: GUCA1A (guanylate cyclase activator 1A; plus strand), GUCA1ANB-GUCA1A (GUCA1ANB-GUCA1A readthrough; plus strand). Cytogenetic location: 6p21.1.
Variant type: single nucleotide variant.
Coding change: c.238C>T on transcript NM_001384910.1 (MANE Select); coding-DNA position 238, C replaced by T.
Protein change: p.Leu80Phe; replaces leucine 80 with phenylalanine.
Molecular consequence: missense variant.
Genome position (GRCh38, 1-based): chr6:42,178,316, C>T. VCF-style: chr6-42178316-C-T. GRCh37 (hg19) VCF-style: chr6-42146054-C-T.
Other names: c.238C>T, p.Leu80Phe (NM_000409.5, NM_001319061.2, NM_001319062.2); short protein forms L80F.
Identifiers: ClinVar variation 1477180 (VCV001477180.6), dbSNP rs904381536, ClinGen allele CA138137117.
Genomic context (GRCh38, chr6:42,178,316, plus strand): 5'-ACGGCGGCCGCGCCCCTCGCCCAGGACGGCTACATTGATTTCATGGAGTACGTGGCAGCG[C>T]TCAGCTTGGTCCTCAAGGGGAAGGTGGAACAGAAGCTCCGCTGGTACTTCAAGCTCTATG-3'
Protein context (NP_001371839.1, residues 70-90): YIDFMEYVAA[Leu80Phe]SLVLKGKVEQ

ClinVar aggregate classification (germline): Uncertain significance (1 of 4 stars; one submission).

Allele frequency attached by ClinVar (database versions not stated): gnomAD 0.00001; gnomAD exomes below 0.00001; TOPMed below 0.00001.
gnomAD v4.1: 2 of 1,614,088 alleles (0.00012%); highest among the groups gnomAD compares: Non-Finnish European, 0.00017%; no homozygotes.

Submission:

Labcorp Genetics (formerly Invitae), Labcorp
Classification: Uncertain significance. Last evaluated: 2025-03-17. Review status: criteria provided, single submitter. Criteria: Invitae Variant Classification Sherloc (09022015). Collection method: clinical testing. Allele origin: germline.
Comment: This sequence change replaces leucine, which is neutral and non-polar, with phenylalanine, which is neutral and non-polar, at codon 80 of the GUCA1A protein (p.Leu80Phe). This variant is not present in population databases (gnomAD no frequency). This variant has not been reported in the literature in individuals affected with GUCA1A-related conditions. ClinVar contains an entry for this variant (Variation ID: 1477180). An algorithm developed to predict the effect of missense changes on protein structure and function (PolyPhen-2) suggests that this variant is likely to be disruptive. Experimental studies have shown that this missense change affects GUCA1A function (PMID: 22383530). In summary, the available evidence is currently insufficient to determine the role of this variant in disease. Therefore, it has been classified as a Variant of Uncertain Significance.

Literature cited by the submitters: PubMed 22383530.